The following is an entry in ClinVar:

ClinVar aggregate classification (germline): Uncertain significance. Review status: criteria provided, multiple submitters, no conflicts (2 of 4 stars). 4 submissions from 4 submitters: Uncertain significance (3). 1 of the submissions does not count toward it. Last evaluated 2025-11-30.

Conditions:
Ataxia-telangiectasia syndrome (AT). Also called: Cerebello-oculocutaneous telangiectasia; Immunodeficiency with ataxia telangiectasia; Ataxia-telangiectasia, complementation group E; Ataxia-telangiectasia, complementation group D; AT, COMPLEMENTATION GROUP C; ATAXIA-TELANGIECTASIA, COMPLEMENTATION GROUP A. Identifiers: Orphanet 100, MedGen C0004135, MONDO:0008840, OMIM 208900.
Hereditary cancer-predisposing syndrome. Also called: Hereditary Cancer Syndrome; Neoplastic Syndromes, Hereditary; Hereditary neoplastic syndrome; Tumor predisposition. Identifiers: Orphanet 140162, MedGen C0027672, MeSH D009386, MONDO:0015356.

Allele frequency attached by ClinVar (database versions not stated): gnomAD exomes below 0.00001.

Submissions (4):

Labcorp Genetics (formerly Invitae), Labcorp
Classification: Uncertain significance for Ataxia-telangiectasia syndrome. Last evaluated: 2025-11-30. Review status: criteria provided, single submitter. Criteria: Invitae Variant Classification Sherloc (09022015). Collection method: clinical testing. Allele origin: germline.
Comment: This sequence change replaces leucine, which is neutral and non-polar, with arginine, which is basic and polar, at codon 954 of the ATM protein (p.Leu954Arg). This variant is not present in population databases (gnomAD no frequency). This variant has not been reported in the literature in individuals affected with ATM-related conditions. ClinVar contains an entry for this variant (Variation ID: 821918). Invitae Evidence Modeling of protein sequence and biophysical properties (such as structural, functional, and spatial information, amino acid conservation, physicochemical variation, residue mobility, and thermodynamic stability) has been performed for this missense variant. However, the output from this modeling did not meet the statistical confidence thresholds required to predict the impact of this variant on ATM protein function. In summary, the available evidence is currently insufficient to determine the role of this variant in disease. Therefore, it has been classified as a Variant of Uncertain Significance.

Ambry Genetics
Classification: Uncertain significance for Hereditary cancer-predisposing syndrome. Last evaluated: 2024-09-17. Review status: criteria provided, single submitter. Criteria: Ambry Variant Classification Scheme 2023. Collection method: clinical testing. Allele origin: germline.
Comment: The p.L954R variant (also known as c.2861T>G), located in coding exon 18 of the ATM gene, results from a T to G substitution at nucleotide position 2861. The leucine at codon 954 is replaced by arginine, an amino acid with dissimilar properties. This amino acid position is highly conserved in available vertebrate species. In addition, this alteration is predicted to be deleterious by in silico analysis. Based on the available evidence, the clinical significance of this variant remains unclear.

Mayo Clinic Laboratories, Mayo Clinic
Classification: Uncertain significance. Last evaluated: 2024-04-03. Review status: criteria provided, single submitter. Criteria: ACMG Guidelines, 2015. Collection method: clinical testing. Allele origin: germline. Observed: 1 variant allele.

Natera, Inc.
Classification: Uncertain significance for Ataxia-telangiectasia. Last evaluated: 2025-04-10. Review status: no assertion criteria provided. Collection method: clinical testing. Allele origin: germline. Not counted in ClinVar's aggregate classification.

NM_000051.4(ATM):c.2861T>G (p.Leu954Arg)

Gene: ATM (ATM serine/threonine kinase; plus strand). Cytogenetic location: 11q22.3.
Variant type: single nucleotide variant.
Coding change: c.2861T>G on transcript NM_000051.4 (MANE Select); coding-DNA position 2861, T replaced by G.
Protein change: p.Leu954Arg; replaces leucine 954 with arginine.
Molecular consequence: missense variant.
Genome position (GRCh38, 1-based): chr11:108,271,086, T>G. VCF-style: chr11-108271086-T-G. GRCh37 (hg19) VCF-style: chr11-108141813-T-G.
Other names: p.Leu954Arg; c.2861T>G, p.Leu954Arg (NM_001351834.2); short protein forms L954R.
Identifiers: ClinVar variation 821918 (VCV000821918.17), dbSNP rs1555084648, ClinGen allele CA382546766.
Genomic context (GRCh38, chr11:108,271,086, plus strand): 5'-GTGGATAAACCTGATTTTTTTCCCTCCTACCATCTTAGTATCTAATGCTTTTAAAGGAGC[T>G]TCCTGGAGAAGAGTACCCCTTGCCAATGGAAGATGTTCTTGAACTTCTGAAACCACTATC-3'
Protein context (NP_000042.3, residues 944-964): LHMYLMLLKE[Leu954Arg]PGEEYPLPME